The following is an entry in ClinVar:

NM_032806.6(POMGNT2):c.1160A>C (p.Asp387Ala)

Gene: POMGNT2 (protein O-linked mannose N-acetylglucosaminyltransferase 2 (beta 1,4-); minus strand). Cytogenetic location: 3p22.1.
Variant type: single nucleotide variant.
Coding change: c.1160A>C on transcript NM_032806.6 (MANE Select); coding-DNA position 1160, A replaced by C.
Protein change: p.Asp387Ala; replaces aspartic acid 387 with alanine.
Molecular consequence: missense variant.
Genome position (GRCh38, 1-based): chr3:43,080,272, T>G on the plus strand (A>C on the coding strand, the complement: POMGNT2 is on the minus strand). VCF-style: chr3-43080272-T-G. GRCh37 (hg19) VCF-style: chr3-43121764-T-G.
Other names: c.1160A>C (NM_032806.4); short protein forms D387A.
Identifiers: ClinVar variation 1023302 (VCV001023302.4), dbSNP rs2089837275, ClinGen allele CA352301724.

ClinVar aggregate classification (germline): Uncertain significance. Review status: criteria provided, multiple submitters, no conflicts (2 of 4 stars). 2 submissions from 2 submitters: Uncertain significance (2). Last evaluated 2025-03-15.

Conditions:
Muscular dystrophy-dystroglycanopathy (congenital with brain and eye anomalies), type a, 8 (MDDGA8). Also called: WALKER-WARBURG SYNDROME OR MUSCLE-EYE-BRAIN DISEASE, GTDC2-RELATED. Identifiers: Orphanet 899, MedGen C3553813, MONDO:0013904, OMIM 614830.
Inborn genetic diseases. Identifiers: MedGen C0950123, MeSH D030342.

Allele frequency attached by ClinVar (database versions not stated): gnomAD exomes below 0.00001; gnomAD 0.00002; TOPMed 0.00001.

Submissions (2):

Ambry Genetics
Classification: Uncertain significance for Inborn genetic diseases. Last evaluated: 2025-03-15. Review status: criteria provided, single submitter. Criteria: Ambry Variant Classification Scheme 2023. Collection method: clinical testing. Allele origin: germline.

Labcorp Genetics (formerly Invitae), Labcorp
Classification: Uncertain significance for Muscular dystrophy-dystroglycanopathy (congenital with brain and eye anomalies), type a, 8. Last evaluated: 2022-07-19. Review status: criteria provided, single submitter. Criteria: Invitae Variant Classification Sherloc (09022015). Collection method: clinical testing. Allele origin: germline.
Comment: Algorithms developed to predict the effect of missense changes on protein structure and function are either unavailable or do not agree on the potential impact of this missense change (SIFT: "Deleterious"; PolyPhen-2: "Possibly Damaging"; Align-GVGD: "Class C0"). In summary, the available evidence is currently insufficient to determine the role of this variant in disease. Therefore, it has been classified as a Variant of Uncertain Significance. ClinVar contains an entry for this variant (Variation ID: 1023302). This sequence change replaces aspartic acid, which is acidic and polar, with alanine, which is neutral and non-polar, at codon 387 of the POMGNT2 protein (p.Asp387Ala). This variant is not present in population databases (gnomAD no frequency). This variant has not been reported in the literature in individuals affected with POMGNT2-related conditions.